The following is an entry in ClinVar:

ClinVar aggregate classification (germline): Uncertain significance. Review status: criteria provided, multiple submitters, no conflicts (2 of 4 stars). 3 submissions from 3 submitters: Uncertain significance (2). 1 of the submissions does not count toward it. Last evaluated 2022-06-27.

Conditions:
RASopathy. Also called: Noonan spectrum disorder; rasopathies. Identifiers: Orphanet 536391, MedGen C5555857, MONDO:0021060.
LEOPARD syndrome 1 (LPRD1). Also called: PTPN11-Related LEOPARD Syndrome; LENTIGINOSIS, CARDIOMYOPATHIC; MULTIPLE LENTIGINES SYNDROME. Identifiers: Orphanet 500, MedGen C4551484, MONDO:0100082, OMIM 151100.

Allele frequency attached by ClinVar (database versions not stated): gnomAD 0.00001.
gnomAD v4.1: 1 of 1,613,936 alleles (0.000062%); highest among the groups gnomAD compares: Admixed American, 0.0017%; no homozygotes.

Submissions (3):

Labcorp Genetics (formerly Invitae), Labcorp
Classification: Uncertain significance for RASopathy. Last evaluated: 2022-06-27. Review status: criteria provided, single submitter. Criteria: Invitae Variant Classification Sherloc (09022015). Collection method: clinical testing. Allele origin: germline.
Comment: This variant is not present in population databases (gnomAD no frequency). This variant has not been reported in the literature in individuals affected with PTPN11-related conditions. ClinVar contains an entry for this variant (Variation ID: 280367). Advanced modeling of protein sequence and biophysical properties (such as structural, functional, and spatial information, amino acid conservation, physicochemical variation, residue mobility, and thermodynamic stability) performed at Invitae indicates that this missense variant is expected to disrupt PTPN11 protein function. In summary, the available evidence is currently insufficient to determine the role of this variant in disease. Therefore, it has been classified as a Variant of Uncertain Significance. This sequence change replaces glycine, which is neutral and non-polar, with arginine, which is basic and polar, at codon 39 of the PTPN11 protein (p.Gly39Arg).

GeneDx
Classification: Uncertain significance. Last evaluated: 2016-02-28. Review status: criteria provided, single submitter. Criteria: GeneDx Variant Classification (06012015). Collection method: clinical testing. Allele origin: germline. Affected: yes.
Comment: The G39R variant in the PTPN11 gene has not been reported previously as a pathogenic variant, nor as a benign variant, to our knowledge. The G39R variant was not observed in approximately 6500 individuals of European and African American ancestry in the NHLBI Exome Sequencing Project, indicating it is not a common benign variant in these populations. The G39R variant is a non-conservative amino acid substitution, which is likely to impact secondary protein structure as these residues differ in polarity, charge, size and/or other properties. This substitution occurs at a position that is conserved across species. In silico analysis predicts this variant is probably damaging to the protein structure/function. Missense variants in nearby residues (T42A and L43F) have been reported in the Human Gene Mutation Database in association with PTPN11-related disorders (Stenson et al., 2014), supporting the functional importance of this region of the protein. We interpret G39R as a variant of uncertain significance

Clinical Genetics Laboratory, University Hospital Schleswig-Holstein
Classification: Likely pathogenic for LEOPARD syndrome 1. Last evaluated: 2021-02-15. Review status: no assertion criteria provided. Collection method: clinical testing. Allele origin: germline. Affected: yes. Not counted in ClinVar's aggregate classification.

NM_002834.5(PTPN11):c.115G>A (p.Gly39Arg)

Gene: PTPN11 (protein tyrosine phosphatase non-receptor type 11; plus strand). Cytogenetic location: 12q24.13.
Variant type: single nucleotide variant.
Coding change: c.115G>A on transcript NM_002834.5 (MANE Select); coding-DNA position 115, G replaced by A.
Protein change: p.Gly39Arg; replaces glycine 39 with arginine.
Molecular consequence: missense variant.
Genome position (GRCh38, 1-based): chr12:112,446,376, G>A. VCF-style: chr12-112446376-G-A. GRCh37 (hg19) VCF-style: chr12-112884180-G-A.
Other names: c.115G>A, p.Gly39Arg (NM_001330437.2, NM_001374625.1, NM_080601.3); short protein forms G39R.
Identifiers: ClinVar variation 280367 (VCV000280367.8), dbSNP rs886041585, ClinGen allele CA10603228.